The following is an entry in ClinVar:

ClinVar aggregate classification (germline): Uncertain significance (1 of 4 stars; one submission).

Conditions:
Familial intrahepatic cholestasis. Identifiers: Orphanet 284385, MedGen CN296401, MONDO:0017290.

Submission:

Genomenon, Inc
Classification: Uncertain significance for Familial intrahepatic cholestasis. Last evaluated: 2026-04-14. Review status: criteria provided, single submitter. Criteria: Genomenon Sequence Variant Interpretation Standards - Updated. Collection method: curation. Allele origin: germline. Affected: yes.
Comment: ABCB11 p.Gly410Asp (c.1229G>A) is a missense variant that changes the amino acid at residue 410 from Glycine to Aspartic acid. This variant has been observed in at least one proband with an ABCB11-related disorder (PMID:18395098). At least one splicing study demonstrated no effect on splicing (PMID:19101985). It is absent or not present at a significant frequency in gnomAD. In silico models predict that this variant is possibly or probably damaging. In conclusion, we classify ABCB11 p.Gly410Asp (c.1229G>A) as a variant of uncertain significance.

Literature cited by the submitters: PubMed 18395098; PubMed 19101985.

NM_003742.4(ABCB11):c.1229G>A (p.Gly410Asp)

Gene: ABCB11 (ATP binding cassette subfamily B member 11; minus strand). Cytogenetic location: 2q31.1.
Variant type: single nucleotide variant.
Coding change: c.1229G>A on transcript NM_003742.4 (MANE Select); coding-DNA position 1229, G replaced by A.
Protein change: p.Gly410Asp; replaces glycine 410 with aspartic acid.
Molecular consequence: missense variant.
Genome position (GRCh38, 1-based): chr2:168,976,656, C>T on the plus strand (G>A on the coding strand, the complement: ABCB11 is on the minus strand). VCF-style: chr2-168976656-C-T. GRCh37 (hg19) VCF-style: chr2-169833166-C-T.
Other names: short protein forms G410D.
Identifiers: ClinVar variation 4846023 (VCV004846023.1).